The following is an entry in ClinVar:

ClinVar aggregate classification (germline): Uncertain significance (1 of 4 stars; one submission).

Conditions:
Perlman syndrome (PRLMNS). Identifiers: Orphanet 2849, MedGen C0796113, MONDO:0009965, OMIM 267000.

Submission:

Labcorp Genetics (formerly Invitae), Labcorp
Classification: Uncertain significance for Perlman syndrome. Last evaluated: 2025-10-02. Review status: criteria provided, single submitter. Criteria: Invitae Variant Classification Sherloc (09022015). Collection method: clinical testing. Allele origin: germline.
Comment: This sequence change replaces alanine, which is neutral and non-polar, with valine, which is neutral and non-polar, at codon 497 of the DIS3L2 protein (p.Ala497Val). This variant is not present in population databases (gnomAD no frequency). This variant has not been reported in the literature in individuals affected with DIS3L2-related conditions. ClinVar contains an entry for this variant (Variation ID: 1516643). Invitae Evidence Modeling of protein sequence and biophysical properties (such as structural, functional, and spatial information, amino acid conservation, physicochemical variation, residue mobility, and thermodynamic stability) indicates that this missense variant is not expected to disrupt DIS3L2 protein function with a negative predictive value of 80%. In summary, the available evidence is currently insufficient to determine the role of this variant in disease. Therefore, it has been classified as a Variant of Uncertain Significance.

NM_152383.5(DIS3L2):c.1490C>T (p.Ala497Val)

Gene: DIS3L2 (DIS3 like 3'-5' exoribonuclease 2; plus strand). Cytogenetic location: 2q37.1.
Variant type: single nucleotide variant.
Coding change: c.1490C>T on transcript NM_152383.5 (MANE Select); coding-DNA position 1490, C replaced by T.
Protein change: p.Ala497Val; replaces alanine 497 with valine.
Molecular consequence: missense variant. On other transcripts: non-coding transcript variant (2).
Genome position (GRCh38, 1-based): chr2:232,263,271, C>T. VCF-style: chr2-232263271-C-T. GRCh37 (hg19) VCF-style: chr2-233127981-C-T.
Other names: c.1490C>T, p.Ala497Val (NM_001257281.2); short protein forms A497V.
Identifiers: ClinVar variation 1516643 (VCV001516643.8), dbSNP rs2106281038, ClinGen allele CA350975341.
Genomic context (GRCh38, chr2:232,263,271, plus strand): 5'-TTGATGAATGGTTTGGCCGGACCATCATCCGCTCCTGCACCAAACTTAGCTACGAGCATG[C>T]ACAGAGCATGATTGAAAGCCCAACTGAGAAAATCCCTGCGAAAGAGCTGCCCCCCATTTC-3'
Protein context (NP_689596.4, residues 487-507): RSCTKLSYEH[Ala497Val]QSMIESPTEK